The following is an entry in ClinVar:

NM_000256.3(MYBPC3):c.2374T>A (p.Trp792Arg)

Gene: MYBPC3 (myosin binding protein C3; minus strand). Cytogenetic location: 11p11.2.
Variant type: single nucleotide variant.
Coding change: c.2374T>A on transcript NM_000256.3 (MANE Select); coding-DNA position 2374, T replaced by A.
Protein change: p.Trp792Arg; replaces tryptophan 792 with arginine.
Molecular consequence: missense variant.
Genome position (GRCh38, 1-based): chr11:47,337,729, A>T on the plus strand (T>A on the coding strand, the complement: MYBPC3 is on the minus strand). VCF-style: chr11-47337729-A-T. GRCh37 (hg19) VCF-style: chr11-47359280-A-T.
Other names: c.2374T>A, p.Trp792Arg (LRG_386t1); short protein forms W792R.
Identifiers: ClinVar variation 578612 (VCV000578612.9), dbSNP rs187830361, ClinGen allele CA380318738.

ClinVar aggregate classification (germline): Likely pathogenic (1 of 4 stars; one submission).

Conditions:
Hypertrophic cardiomyopathy. Also called: HYPERTROPHIC MYOCARDIOPATHY. Identifiers: Orphanet 217569, MedGen C0007194, MeSH D002312, MONDO:0005045, HP:0001639.

Submission:

Labcorp Genetics (formerly Invitae), Labcorp
Classification: Likely pathogenic for Hypertrophic cardiomyopathy. Last evaluated: 2022-08-16. Review status: criteria provided, single submitter. Criteria: Invitae Variant Classification Sherloc (09022015). Collection method: clinical testing. Allele origin: germline.
Comment: In summary, the currently available evidence indicates that the variant is pathogenic, but additional data are needed to prove that conclusively. Therefore, this variant has been classified as Likely Pathogenic. This sequence change replaces tryptophan, which is neutral and slightly polar, with arginine, which is basic and polar, at codon 792 of the MYBPC3 protein (p.Trp792Arg). This variant is not present in population databases (gnomAD no frequency). A different variant (c.2374T>C) giving rise to the same protein effect has been determined to be pathogenic (PMID: 15519027, 19808356, 23074333, 24793961, 27532257). This suggests that this variant is also likely to be causative of disease. ClinVar contains an entry for this variant (Variation ID: 578612). Algorithms developed to predict the effect of missense changes on protein structure and function (SIFT, PolyPhen-2, Align-GVGD) all suggest that this variant is likely to be disruptive.

Literature cited by the submitters: PubMed 15519027; PubMed 19808356; PubMed 23074333; PubMed 24793961; PubMed 27532257.